The following is an entry in ClinVar:

NM_001943.5(DSG2):c.463A>C (p.Asn155His)

Gene: DSG2 (desmoglein 2; plus strand). Cytogenetic location: 18q12.1.
Variant type: single nucleotide variant.
Coding change: c.463A>C on transcript NM_001943.5 (MANE Select); coding-DNA position 463, A replaced by C.
Protein change: p.Asn155His; replaces asparagine 155 with histidine.
Molecular consequence: missense variant.
Genome position (GRCh38, 1-based): chr18:31,521,183, A>C. VCF-style: chr18-31521183-A-C. GRCh37 (hg19) VCF-style: chr18-29101146-A-C.
Other names: short protein forms N155H.
Identifiers: ClinVar variation 927772 (VCV000927772.4), dbSNP rs764577709, ClinGen allele CA402132213.

ClinVar aggregate classification (germline): Uncertain significance (1 of 4 stars; one submission).

Conditions:
Cardiomyopathy (CMYO). Also called: Cardiomyopathies. Identifiers: Orphanet 167848, MedGen C0878544, MONDO:0004994, HP:0001638. Inheritance: Various modes of inheritance.

gnomAD v4.1: 3 of 1,614,008 alleles (0.00019%); highest among the groups gnomAD compares: South Asian, 0.0033%; no homozygotes.

Submission:

Color Diagnostics, LLC DBA Color Health
Classification: Uncertain significance for Cardiomyopathy. Last evaluated: 2024-03-06. Review status: criteria provided, single submitter. Criteria: ACMG Guidelines, 2015. Collection method: clinical testing. Allele origin: germline.
Comment: This missense variant replaces asparagine with histidine at codon 155 of the DSG2 protein. Computational prediction suggests that this variant may have deleterious impact on protein structure and function (internally defined REVEL score threshold >= 0.7, PMID: 27666373). To our knowledge, functional studies have not been reported for this variant. This variant has not been reported in individuals affected with cardiovascular disorders in the literature. This variant has not been identified in the general population by the Genome Aggregation Database (gnomAD). The available evidence is insufficient to determine the role of this variant in disease conclusively. Therefore, this variant is classified as a Variant of Uncertain Significance.